The following is an entry in ClinVar:

NM_005862.3(STAG1):c.2445G>T (p.Gln815His)

Gene: STAG1 (STAG1 cohesin complex component; minus strand). Cytogenetic location: 3q22.3.
Variant type: single nucleotide variant.
Coding change: c.2445G>T on transcript NM_005862.3 (MANE Select); coding-DNA position 2445, G replaced by T.
Protein change: p.Gln815His; replaces glutamine 815 with histidine.
Molecular consequence: missense variant.
Genome position (GRCh38, 1-based): chr3:136,369,208, C>A on the plus strand (G>T on the coding strand, the complement: STAG1 is on the minus strand). VCF-style: chr3-136369208-C-A. GRCh37 (hg19) VCF-style: chr3-136088050-C-A.
Other names: short protein forms Q815H.
Identifiers: ClinVar variation 2820489 (VCV002820489.3), dbSNP rs549716315, ClinGen allele CA354647733.

ClinVar aggregate classification (germline): Uncertain significance (1 of 4 stars; one submission).

gnomAD v4.1: 2 of 1,605,270 alleles (0.00012%); highest among the groups gnomAD compares: South Asian, 0.0022%; no homozygotes.

Submission:

Labcorp Genetics (formerly Invitae), Labcorp
Classification: Uncertain significance. Last evaluated: 2023-02-14. Review status: criteria provided, single submitter. Criteria: Invitae Variant Classification Sherloc (09022015). Collection method: clinical testing. Allele origin: germline.
Comment: In summary, the available evidence is currently insufficient to determine the role of this variant in disease. Therefore, it has been classified as a Variant of Uncertain Significance. Advanced modeling of protein sequence and biophysical properties (such as structural, functional, and spatial information, amino acid conservation, physicochemical variation, residue mobility, and thermodynamic stability) performed at Invitae indicates that this missense variant is not expected to disrupt STAG1 protein function. This variant has not been reported in the literature in individuals affected with STAG1-related conditions. The frequency data for this variant in the population databases is considered unreliable, as metrics indicate poor data quality at this position in the gnomAD database. This sequence change replaces glutamine, which is neutral and polar, with histidine, which is basic and polar, at codon 815 of the STAG1 protein (p.Gln815His).